The following is an entry in ClinVar:

NM_001734.5(C1S):c.97C>G (p.Pro33Ala)

Gene: C1S (complement C1s; plus strand). Cytogenetic location: 12p13.31.
Variant type: single nucleotide variant.
Coding change: c.97C>G on transcript NM_001734.5 (MANE Select); coding-DNA position 97, C replaced by G.
Protein change: p.Pro33Ala; replaces proline 33 with alanine.
Molecular consequence: missense variant. On other transcripts: intron variant (1).
Genome position (GRCh38, 1-based): chr12:7,062,566, C>G. VCF-style: chr12-7062566-C-G. GRCh37 (hg19) VCF-style: chr12-7169870-C-G.
Other names: c.97C>G, p.Pro33Ala (NM_201442.4); c.-288-324C>G (NM_001346850.2); short protein forms P33A.
Identifiers: ClinVar variation 4778861 (VCV004778861.3).

ClinVar aggregate classification (germline): Uncertain significance. Review status: criteria provided, multiple submitters, no conflicts (2 of 4 stars). 2 submissions from 2 submitters: Uncertain significance (2). Last evaluated 2026-06-01.

gnomAD v4.1: 2 of 1,613,592 alleles (0.00012%); highest among the groups gnomAD compares: Non-Finnish European, 0.00017%; no homozygotes.

Submissions (2):

CeGaT Center for Human Genetics Tuebingen
Classification: Uncertain significance. Last evaluated: 2026-06-01. Review status: criteria provided, single submitter. Criteria: CeGaT Center For Human Genetics Tuebingen Variant Classification Criteria Version 2. Collection method: clinical testing. Allele origin: germline. Affected: yes. Observed: 1 variant allele.

Labcorp Genetics (formerly Invitae), Labcorp
Classification: Uncertain significance. Last evaluated: 2025-04-14. Review status: criteria provided, single submitter. Criteria: Invitae Variant Classification Sherloc (09022015). Collection method: clinical testing. Allele origin: germline.
Comment: This sequence change replaces proline, which is neutral and non-polar, with alanine, which is neutral and non-polar, at codon 33 of the C1S protein (p.Pro33Ala). This variant is not present in population databases (gnomAD no frequency). This variant has not been reported in the literature in individuals affected with C1S-related conditions. An algorithm developed to predict the effect of missense changes on protein structure and function (PolyPhen-2) suggests that this variant is likely to be disruptive. In summary, the available evidence is currently insufficient to determine the role of this variant in disease. Therefore, it has been classified as a Variant of Uncertain Significance.